The following is an entry in ClinVar:

ClinVar aggregate classification (germline): Uncertain significance (1 of 4 stars; one submission).

Submission:

Ambry Genetics
Classification: Uncertain significance. Last evaluated: 2024-12-20. Review status: criteria provided, single submitter. Criteria: Ambry Variant Classification Scheme 2023. Collection method: clinical testing. Allele origin: germline.
Comment: The p.R439S variant (also known as c.1317G>T), located in coding exon 8 of the RNF43 gene, results from a G to T substitution at nucleotide position 1317. The arginine at codon 439 is replaced by serine, an amino acid with dissimilar properties. This amino acid position is conserved. In addition, this alteration is predicted to be tolerated by in silico analysis. Based on the available evidence, the clinical significance of this variant remains unclear.

NM_017763.6(RNF43):c.1317G>T (p.Arg439Ser)

Gene: RNF43 (ring finger protein 43; minus strand). Cytogenetic location: 17q22.
Variant type: single nucleotide variant.
Coding change: c.1317G>T on transcript NM_017763.6 (MANE Select); coding-DNA position 1317, G replaced by T.
Protein change: p.Arg439Ser; replaces arginine 439 with serine.
Molecular consequence: missense variant.
Genome position (GRCh38, 1-based): chr17:58,358,459, C>A on the plus strand (G>T on the coding strand, the complement: RNF43 is on the minus strand). VCF-style: chr17-58358459-C-A. GRCh37 (hg19) VCF-style: chr17-56435820-C-A.
Other names: c.1317G>T, p.Arg439Ser (NM_001305544.3); c.936G>T, p.Arg312Ser (NM_001305545.2); short protein forms R439S, R312S.
Identifiers: ClinVar variation 3789858 (VCV003789858.1).
Genomic context (GRCh38, chr17:58,358,459, plus strand): 5'-TGCCAGGTACCCACTGCGTTCTGTGCAATAGCTTTCTCCAGATCCACTGCTGTCAGGGGG[C>A]CTGGCCCGGCGTAGGGGCACTGGGCAAGCAGCAGGGTGCTGTGAGGTGGATTGGAGGTGG-3'
Protein context (NP_060233.3, residues 429-449): AACPVPLRRA[Arg439Ser]PPDSSGSGES